The following is an entry in ClinVar:

NM_001048174.2(MUTYH):c.492+5G>A

Gene: MUTYH (mutY DNA glycosylase; minus strand). Cytogenetic location: 1p34.1.
Variant type: single nucleotide variant.
Coding change: c.492+5G>A on transcript NM_001048174.2 (MANE Select); 5 bases into the intron after coding-DNA position 492, G replaced by A.
Molecular consequence: intron variant.
Genome position (GRCh38, 1-based): chr1:45,332,758, C>T on the plus strand (G>A on the coding strand, the complement: MUTYH is on the minus strand). VCF-style: chr1-45332758-C-T. GRCh37 (hg19) VCF-style: chr1-45798430-C-T.
Other names: c.576+5G>A (NM_001128425.1, NM_001128425.2); c.495+5G>A (NM_001407086.1, NM_001407071.1, NM_001048172.2 and 1 more transcripts); c.525+5G>A (NM_001293191.2, NM_001407077.1, NM_001407069.1); c.534+5G>A (NM_001407085.1, NM_001407083.1); c.492+5G>A (NM_001407088.1, NM_001293195.2, NM_001407089.1 and 6 more transcripts); c.513+5G>A (NM_001407087.1); c.147+5G>A (NM_001407082.1, NM_001350651.2, NM_001350650.2); c.216+5G>A (NM_001293196.2, NM_001407091.1, NM_001293192.2); and 5 more.
Identifiers: ClinVar variation 2836258 (VCV002836258.4), dbSNP rs2149155486, ClinGen allele CA2645377250.

ClinVar aggregate classification (germline): Conflicting classifications of pathogenicity. Review status: criteria provided, conflicting classifications (1 of 4 stars). 2 submissions from 2 submitters: Uncertain significance (1); Likely benign (1). Last evaluated 2025-06-09.

Conditions:
Hereditary cancer-predisposing syndrome. Also called: Tumor predisposition; Hereditary neoplastic syndrome; Hereditary Cancer Syndrome; Neoplastic Syndromes, Hereditary. Identifiers: Orphanet 140162, MedGen C0027672, MeSH D009386, MONDO:0015356.
Familial adenomatous polyposis 2. Also called: COLORECTAL ADENOMATOUS POLYPOSIS, AUTOSOMAL RECESSIVE; ADENOMAS, MULTIPLE COLORECTAL, AUTOSOMAL RECESSIVE; MUTYH-related attenuated familial adenomatous polyposis; MUTYH-associated polyposis; MYH-associated polyposis; MUTYH Polyposis. Identifiers: Orphanet 220460, Orphanet 247798, MedGen C3272841, MONDO:0012041, OMIM 608456.

Submissions (2):

Ambry Genetics
Classification: Uncertain significance for Hereditary cancer-predisposing syndrome. Last evaluated: 2025-06-09. Review status: criteria provided, single submitter. Criteria: Ambry Variant Classification Scheme 2023. Collection method: clinical testing. Allele origin: germline.
Comment: The c.576+5G>A intronic variant results from a G to A substitution 5 nucleotides after coding exon 7 in the MUTYH gene. This nucleotide position is well conserved in available vertebrate species. In silico splice site analysis predicts that this alteration will not have any significant effect on splicing. Based on the available evidence, the clinical significance of this variant remains unclear.

Labcorp Genetics (formerly Invitae), Labcorp
Classification: Likely benign for Familial adenomatous polyposis 2. Last evaluated: 2023-11-01. Review status: criteria provided, single submitter. Criteria: Invitae Variant Classification Sherloc (09022015). Collection method: clinical testing. Allele origin: germline.